The following is an entry in ClinVar:

ClinVar aggregate classification (germline): Likely benign. Review status: criteria provided, multiple submitters, no conflicts (2 of 4 stars). 2 submissions from 2 submitters: Likely benign (2). Last evaluated 2025-04-03.

Allele frequency attached by ClinVar (database versions not stated): gnomAD 0.00001; TOPMed 0.00003; ExAC 0.00006; gnomAD exomes 0.00002.
gnomAD v4.1: 30 of 1,613,672 alleles (0.0019%); highest among the groups gnomAD compares: East Asian, 0.0022%; no homozygotes.

Submissions (2):

Labcorp Genetics (formerly Invitae), Labcorp
Classification: Likely benign. Last evaluated: 2025-04-03. Review status: criteria provided, single submitter. Criteria: Invitae Variant Classification Sherloc (09022015). Collection method: clinical testing. Allele origin: germline.

Mayo Clinic Laboratories, Mayo Clinic
Classification: Likely benign. Last evaluated: 2024-12-17. Review status: criteria provided, single submitter. Criteria: ACMG Guidelines, 2015. Collection method: clinical testing. Allele origin: germline. Observed: 1 variant allele.
Comment: BP4, BP7, PM2_supporting

NM_016363.5(GP6):c.102C>T (p.Pro34=)

Gene: GP6 (glycoprotein VI platelet; minus strand). Cytogenetic location: 19q13.42.
Variant type: single nucleotide variant.
Coding change: c.102C>T on transcript NM_016363.5 (MANE Select); coding-DNA position 102, C replaced by T.
Protein change: p.Pro34=; no amino-acid change (proline 34 retained).
Molecular consequence: synonymous variant.
Genome position (GRCh38, 1-based): chr19:55,032,362, G>A on the plus strand (C>T on the coding strand, the complement: GP6 is on the minus strand). VCF-style: chr19-55032362-G-A. GRCh37 (hg19) VCF-style: chr19-55543730-G-A.
Other names: p.Pro34=; c.102C>T, p.Pro34= (NM_001083899.2, NM_001256017.2).
Identifiers: ClinVar variation 2741100 (VCV002741100.4), dbSNP rs745762025, ClinGen allele CA310134565.